The following is an entry in ClinVar:

NM_000059.4(BRCA2):c.4625del (p.Val1542fs)

Gene: BRCA2 (BRCA2 DNA repair associated; plus strand). Cytogenetic location: 13q13.1.
Variant type: Deletion.
Coding change: c.4625del on transcript NM_000059.4 (MANE Select); coding-DNA position 4625, one base deleted (T; older notation c.4625delT).
Protein change: p.Val1542fs; shifts the reading frame from valine 1542.
Molecular consequence: frameshift variant.
Genome position (GRCh38, 1-based): chr13:32,338,980, T deleted. VCF-style (leftmost placement, unchanged base first): chr13-32338979-GT-G. GRCh37 (hg19) VCF-style: chr13-32913116-GT-G.
Other names: 4853delT; short protein forms V1542fs.
Identifiers: ClinVar variation 266822 (VCV000266822.3), dbSNP rs886040540, ClinGen allele CA10589269.

ClinVar aggregate classification (germline): Pathogenic (3 of 4 stars; one submission).

Conditions:
Breast-ovarian cancer, familial, susceptibility to, 2 (BROVCA2). Also called: BRCA2 Hereditary Breast and Ovarian Cancer. Identifiers: Orphanet 145, MedGen C2675520, MONDO:0012933, OMIM 612555. Disease mechanism: loss of function.

Submission:

Evidence-based Network for the Interpretation of Germline Mutant Alleles (ENIGMA)
Classification: Pathogenic for Breast-ovarian cancer, familial, susceptibility to, 2. Last evaluated: 2016-10-18. Review status: reviewed by expert panel. Criteria: ENIGMA BRCA1/2 Classification Criteria (2015). Collection method: curation. Allele origin: germline.
Comment: Variant allele predicted to encode a truncated non-functional protein.